The following is an entry in ClinVar:

ClinVar aggregate classification (germline): Uncertain significance. Review status: criteria provided, multiple submitters, no conflicts (2 of 4 stars). 2 submissions from 2 submitters: Uncertain significance (2). Last evaluated 2022-01-14.

Conditions:
Peroxisome biogenesis disorder 2B (PBD2B). Identifiers: Orphanet 44, MedGen C3550234, MONDO:0008736, OMIM 202370.
Peroxisome biogenesis disorder 2A (Zellweger) (PBD2A). Also called: Cerebrohepatorenal syndrome, variant types. Identifiers: Orphanet 912, MedGen C3550273, MONDO:0008954, OMIM 214110.
Rhizomelic chondrodysplasia punctata type 5 (RCDP5). Identifiers: Orphanet 468717, MedGen C4225237, MONDO:0014743, OMIM 616716.

Allele frequency attached by ClinVar (database versions not stated): 1000 Genomes Project 30x 0.00031; 1000 Genomes Project 0.00040.

Submissions (2):

Labcorp Genetics (formerly Invitae), Labcorp
Classification: Uncertain significance for Peroxisome biogenesis disorder 2B. Last evaluated: 2022-01-14. Review status: criteria provided, single submitter. Criteria: Invitae Variant Classification Sherloc (09022015). Collection method: clinical testing. Allele origin: germline.
Comment: This sequence change replaces arginine, which is basic and polar, with cysteine, which is neutral and slightly polar, at codon 518 of the PEX5 protein (p.Arg518Cys). This variant is present in population databases (rs182028506, gnomAD 0.05%). This variant has not been reported in the literature in individuals affected with PEX5-related conditions. Algorithms developed to predict the effect of missense changes on protein structure and function are either unavailable or do not agree on the potential impact of this missense change (SIFT: "Deleterious"; PolyPhen-2: "Possibly Damaging"; Align-GVGD: "Class C15"). In summary, the available evidence is currently insufficient to determine the role of this variant in disease. Therefore, it has been classified as a Variant of Uncertain Significance.

Juno Genomics, Hangzhou Juno Genomics, Inc
Classification: Uncertain significance for Peroxisome biogenesis disorder 2A (Zellweger); Peroxisome biogenesis disorder 2B; Rhizomelic chondrodysplasia punctata type 5. Review status: criteria provided, single submitter. Criteria: ACMG Guidelines, 2015. Collection method: clinical testing. Allele origin: germline.
Comment: Absent from controls (or at extremely low frequency if recessive) in Genome Aggregation Database.;Multiple lines of computational evidence support a deleterious effect on the gene or gene product.

NM_001351132.2(PEX5):c.1552C>T (p.Arg518Cys)

Gene: PEX5 (peroxisomal biogenesis factor 5; plus strand). Cytogenetic location: 12p13.31.
Variant type: single nucleotide variant.
Coding change: c.1552C>T on transcript NM_001351132.2 (MANE Select); coding-DNA position 1552, C replaced by T.
Protein change: p.Arg518Cys; replaces arginine 518 with cysteine.
Molecular consequence: missense variant.
Genome position (GRCh38, 1-based): chr12:7,209,162, C>T. VCF-style: chr12-7209162-C-T. GRCh37 (hg19) VCF-style: chr12-7361758-C-T.
Other names: c.1528C>T, p.Arg510Cys (NM_000319.5); c.1597C>T, p.Arg533Cys (NM_001131023.2); c.1441C>T, p.Arg481Cys (NM_001131024.2, NM_001351124.3, NM_001351126.2 and 7 more transcripts); c.1552C>T, p.Arg518Cys (NM_001131025.2, NM_001131026.2, NM_001300789.3 and 4 more transcripts); c.1486C>T, p.Arg496Cys (NM_001351135.3, NM_001351138.2); c.1543C>T, p.Arg515Cys (NM_001351136.2); c.1417C>T, p.Arg473Cys (NM_001351139.2, NM_001351140.2, NM_001374649.2); short protein forms R481C, R518C, R496C, R510C, R515C, R533C, R473C.
Identifiers: ClinVar variation 1425586 (VCV001425586.5), dbSNP rs182028506, ClinGen allele CA6426484.